The following is an entry in ClinVar:

ClinVar aggregate classification (germline): Conflicting classifications of pathogenicity. Review status: criteria provided, conflicting classifications (1 of 4 stars). 4 submissions from 4 submitters: Uncertain significance (1); Likely benign (2). 1 of the submissions does not count toward it. Last evaluated 2026-01-18.

Conditions:
Inborn genetic diseases. Identifiers: MedGen C0950123, MeSH D030342.
Cohen syndrome (COH1). Also called: PEPPER SYNDROME; Cutis verticis gyrata, retinitis pigmentosa, and sensorineural deafness. Identifiers: Orphanet 193, MedGen C0265223, MONDO:0008999, OMIM 216550.
VPS13B-related disorder. Also called: VPS13B-related condition.

Allele frequency attached by ClinVar (database versions not stated): ExAC 0.00001; gnomAD exomes 0.00001; TOPMed 0.00011.
gnomAD v4.1: 20 of 1,613,912 alleles (0.0012%); highest among the groups gnomAD compares: African/African-American, 0.0053%; no homozygotes.

Submissions (4):

Labcorp Genetics (formerly Invitae), Labcorp
Classification: Likely benign for Cohen syndrome. Last evaluated: 2026-01-18. Review status: criteria provided, single submitter. Criteria: Invitae Variant Classification Sherloc (09022015). Collection method: clinical testing. Allele origin: germline.

Eurofins Ntd Llc (ga)
Classification: Uncertain significance. Last evaluated: 2018-07-10. Review status: criteria provided, single submitter. Criteria: EGL ClinVar v180209 classification definitions. Collection method: clinical testing. Allele origin: germline. Observed: 1 variant allele, 1 heterozygote.

Ambry Genetics
Classification: Likely benign for Inborn genetic diseases. Last evaluated: 2017-02-18. Review status: criteria provided, single submitter. Criteria: Ambry Variant Classification Scheme 2023. Collection method: clinical testing. Allele origin: germline.

PreventionGenetics, part of Exact Sciences
Classification: Likely benign for VPS13B-related condition. Last evaluated: 2021-08-11. Review status: no assertion criteria provided. Collection method: clinical testing. Allele origin: germline. Not counted in ClinVar's aggregate classification.
Comment: This variant is classified as likely benign based on ACMG/AMP sequence variant interpretation guidelines (Richards et al. 2015 PMID: 25741868, with internal and published modifications).

NM_152564.5(VPS13B):c.10938C>T (p.Val3646=)

Gene: VPS13B (vacuolar protein sorting 13 homolog B; plus strand). Cytogenetic location: 8q22.2.
Variant type: single nucleotide variant.
Coding change: c.10938C>T on transcript NM_152564.5 (MANE Select); coding-DNA position 10938, C replaced by T.
Protein change: p.Val3646=; no amino-acid change (valine 3646 retained).
Molecular consequence: synonymous variant.
Genome position (GRCh38, 1-based): chr8:99,859,374, C>T. VCF-style: chr8-99859374-C-T. GRCh37 (hg19) VCF-style: chr8-100871602-C-T.
Other names: c.11013C>T, p.Val3671= (NM_017890.5); c.10938C>T (NM_152564.4).
Identifiers: ClinVar variation 528859 (VCV000528859.21), dbSNP rs758028194, ClinGen allele CA4825072.